The following is an entry in ClinVar:

NM_000540.3(RYR1):c.1406G>C (p.Ser469Thr)

Gene: RYR1 (ryanodine receptor 1; plus strand). Cytogenetic location: 19q13.2.
Variant type: single nucleotide variant.
Coding change: c.1406G>C on transcript NM_000540.3 (MANE Select); coding-DNA position 1406, G replaced by C.
Protein change: p.Ser469Thr; replaces serine 469 with threonine.
Molecular consequence: missense variant.
Genome position (GRCh38, 1-based): chr19:38,452,980, G>C. VCF-style: chr19-38452980-G-C. GRCh37 (hg19) VCF-style: chr19-38943620-G-C.
Other names: c.1406G>C, p.Ser469Thr (NM_001042723.2); short protein forms S469T.
Identifiers: ClinVar variation 2919698 (VCV002919698.2), dbSNP rs576110429, ClinGen allele CA060800.

ClinVar aggregate classification (germline): Uncertain significance. Review status: criteria provided, multiple submitters, no conflicts (2 of 4 stars). 2 submissions from 2 submitters: Uncertain significance (2). Last evaluated 2024-02-22.

Conditions:
RYR1-related disorder. Also called: RYR1-related disorders; RYR1-related condition. Identifiers: MedGen CN239331.
Malignant hyperthermia, susceptibility to, 1 (MHS1). Also called: Anesthesia related hyperthermia; Malignant hyperpyrexia; Fulminating hyperpyrexia; Pharmacogenic myopathy; Malignant hyperthermia suceptibility 1; RYR1-Related Malignant Hyperthermia Susceptibility. Identifiers: Orphanet 423, MedGen C2930980, MONDO:0007783, OMIM 145600.

Allele frequency attached by ClinVar (database versions not stated): ExAC 0.00001; gnomAD 0.00001; 1000 Genomes Project 30x 0.00016; 1000 Genomes Project 0.00020.
gnomAD v4.1: 1 of 1,613,942 alleles (0.000062%); highest among the groups gnomAD compares: East Asian, 0.0022%; no homozygotes.

Submissions (2):

All of Us Research Program, National Institutes of Health
Classification: Uncertain significance for Malignant hyperthermia, susceptibility to, 1. Last evaluated: 2024-02-22. Review status: criteria provided, single submitter. Criteria: ACMG Guidelines, 2015. Collection method: clinical testing. Allele origin: germline. Inheritance: Autosomal dominant inheritance. Observed: 1 variant allele, 1 heterozygote.
Comment: This missense variant replaces serine with threonine at codon 469 of the RYR1 protein. Computational prediction suggests that this variant may not impact protein structure and function (internally defined REVEL score threshold <= 0.5, PMID: 27666373). To our knowledge, functional studies have not been reported for this variant. This variant has not been reported in individuals affected with RYR1-related disorders in the literature. This variant has been identified in 1/248910 chromosomes in the general population by the Genome Aggregation Database (gnomAD). The available evidence is insufficient to determine the role of this variant in disease conclusively. Therefore, this variant is classified as a Variant of Uncertain Significance.

This study involves interpretation of variants in research participants for the purpose of population health screening. Participant phenotype was not available at the time of variant classification. Additional details can be found in publication PMID: 35346344, PMCID: PMC8962531

Labcorp Genetics (formerly Invitae), Labcorp
Classification: Uncertain significance for RYR1-related disorder. Last evaluated: 2023-03-09. Review status: criteria provided, single submitter. Criteria: Invitae Variant Classification Sherloc (09022015). Collection method: clinical testing. Allele origin: germline.
Comment: This variant is present in population databases (rs576110429, gnomAD 0.006%). This sequence change replaces serine, which is neutral and polar, with threonine, which is neutral and polar, at codon 469 of the RYR1 protein (p.Ser469Thr). This variant has not been reported in the literature in individuals affected with RYR1-related conditions. In summary, the available evidence is currently insufficient to determine the role of this variant in disease. Therefore, it has been classified as a Variant of Uncertain Significance. Advanced modeling of protein sequence and biophysical properties (such as structural, functional, and spatial information, amino acid conservation, physicochemical variation, residue mobility, and thermodynamic stability) performed at Invitae indicates that this missense variant is not expected to disrupt RYR1 protein function.